The following is an entry in ClinVar:

NM_004336.5(BUB1):c.2752A>C (p.Ile918Leu)

Gene: BUB1 (BUB1 mitotic checkpoint serine/threonine kinase; minus strand). Cytogenetic location: 2q13.
Variant type: single nucleotide variant.
Coding change: c.2752A>C on transcript NM_004336.5 (MANE Select); coding-DNA position 2752, A replaced by C.
Protein change: p.Ile918Leu; replaces isoleucine 918 with leucine.
Molecular consequence: missense variant. On other transcripts: intron variant (1).
Genome position (GRCh38, 1-based): chr2:110,641,338, T>G on the plus strand (A>C on the coding strand, the complement: BUB1 is on the minus strand). VCF-style: chr2-110641338-T-G. GRCh37 (hg19) VCF-style: chr2-111398915-T-G.
Other names: c.2692A>C, p.Ile898Leu (NM_001278616.2); c.2626-146A>C (NM_001278617.2); short protein forms I898L, I918L.
Identifiers: ClinVar variation 1795577 (VCV001795577.2), dbSNP rs776826645, ClinGen allele CA348089485.

ClinVar aggregate classification (germline): Uncertain significance (1 of 4 stars; one submission).

Submission:

Ambry Genetics
Classification: Uncertain significance. Last evaluated: 2022-10-19. Review status: criteria provided, single submitter. Criteria: Ambry Variant Classification Scheme 2023. Collection method: clinical testing. Allele origin: germline.
Comment: The p.I918L variant (also known as c.2752A>C), located in coding exon 22 of the BUB1 gene, results from an A to C substitution at nucleotide position 2752. The isoleucine at codon 918 is replaced by leucine, an amino acid with highly similar properties. This amino acid position is conserved. In addition, this alteration is predicted to be tolerated by in silico analysis. Since supporting evidence is limited at this time, the clinical significance of this alteration remains unclear.